The following is an entry in ClinVar:

ClinVar aggregate classification (germline): Uncertain significance (1 of 4 stars; one submission).

Conditions:
Inborn genetic diseases. Identifiers: MedGen C0950123, MeSH D030342.

gnomAD v4.1: 2 of 1,592,720 alleles (0.00013%); highest among the groups gnomAD compares: Non-Finnish European, 0.00017%; no homozygotes.

Submission:

Ambry Genetics
Classification: Uncertain significance for Inborn genetic diseases. Last evaluated: 2025-03-01. Review status: criteria provided, single submitter. Criteria: Ambry Variant Classification Scheme 2023. Collection method: clinical testing. Allele origin: germline.
Comment: The p.I139V variant (also known as c.415A>G), located in coding exon 2 of the ERCC6L2 gene, results from an A to G substitution at nucleotide position 415. The isoleucine at codon 139 is replaced by valine, an amino acid with highly similar properties. This amino acid position is conserved. In addition, this alteration is predicted to be tolerated by in silico analysis. Based on the available evidence, the clinical significance of this variant remains unclear.

NM_020207.7(ERCC6L2):c.415A>G (p.Ile139Val)

Gene: ERCC6L2 (ERCC excision repair 6 like 2; plus strand). Cytogenetic location: 9q22.32.
Variant type: single nucleotide variant.
Coding change: c.415A>G on transcript NM_020207.7 (MANE Select); coding-DNA position 415, A replaced by G.
Protein change: p.Ile139Val; replaces isoleucine 139 with valine.
Molecular consequence: missense variant. On other transcripts: non-coding transcript variant (1).
Genome position (GRCh38, 1-based): chr9:95,881,237, A>G. VCF-style: chr9-95881237-A-G. GRCh37 (hg19) VCF-style: chr9-98643519-A-G.
Other names: c.415A>G, p.Ile139Val (NM_001010895.4, NM_001375291.1, NM_001375292.1 and 2 more transcripts); short protein forms I139V.
Identifiers: ClinVar variation 3845970 (VCV003845970.1).